The following is an entry in ClinVar:

NM_000173.7(GP1BA):c.1064dup (p.Pro357fs)

Gene: GP1BA (glycoprotein Ib platelet subunit alpha; plus strand). Cytogenetic location: 17p13.2.
Variant type: Duplication.
Coding change: c.1064dup on transcript NM_000173.7 (MANE Select); coding-DNA position 1064, one base duplicated (T; older notation c.1064dupT).
Protein change: p.Pro357fs; shifts the reading frame from proline 357.
Molecular consequence: frameshift variant.
Genome position (GRCh38, 1-based): chr17:4,933,668, T duplicated; the last of 2 consecutive T bases (chr17:4,933,667-4,933,668); duplicating either gives the same sequence. VCF-style (leftmost placement, unchanged base first): chr17-4933666-A-AT. GRCh37 (hg19) VCF-style: chr17-4836961-A-AT.
Other names: NM_000173.7:c.1064dup; short protein forms P357fs.
Identifiers: ClinVar variation 3775063 (VCV003775063.1).

ClinVar aggregate classification (germline): Likely pathogenic (3 of 4 stars; one submission).

Conditions:
Bernard Soulier syndrome (BSS). Also called: GLYCOPROTEIN Ib, PLATELET, DEFICIENCY OF; PLATELET GLYCOPROTEIN Ib DEFICIENCY; VON WILLEBRAND FACTOR RECEPTOR DEFICIENCY; Giant platelet syndrome; Hemorrhagiparous thrombocytic dystrophy; Giant platelet disease. Identifiers: Orphanet 274, MedGen C0005129, MeSH D001606, MONDO:0009276, OMIM 231200.

Submission:

ClinGen Platelet Disorders Variant Curation Expert Panel, ClinGen
Classification: Likely pathogenic for Bernard Soulier syndrome. Last evaluated: 2025-03-06. Review status: reviewed by expert panel. Criteria: ClinGen Platelet ACMG Specifications GP1BA V1.0.0. Collection method: curation. Allele origin: germline. Inheritance: Autosomal recessive inheritance.
Comment: The c.1064dup (p.Pro357ThrfsTer2) variant in GP1BA is a frameshift variant that may cause loss of function of the protein, however it is predicted to escape nonsense mediated decay and remove >10% of the protein (PVS1_Strong). At least one patient (Patient BSS16.01 in PMID: 23995613) with this variant had aggregation absent for ristocetin and present for all other agonists, which is highly specific for Bernard-Soulier syndrome. Additionally, the patient had excessive mucocutaneous bleeding and macrothrombocytopenia which are consistent with Bernard-Soulier syndrome (PP4). This variant is absent from gnomAD v4.1.0 (PM2_Supporting). In summary, this variant meets the criteria to be classified as Likely Pathogenic for autosomal recessive Bernard-Soulier syndrome based on the ACMG/AMP criteria applied, as specified by the ClinGen PD VCEP: PVS1_Strong, PP4, PM2_Supporting, and PM3_Supporting (VCEP specifications version 1).